The following is an entry in ClinVar:

ClinVar aggregate classification (germline): Uncertain significance (1 of 4 stars; one submission).

Submission:

GeneDx
Classification: Uncertain significance. Last evaluated: 2023-07-25. Review status: criteria provided, single submitter. Criteria: GeneDx Variant Classification Process June 2021. Collection method: clinical testing. Allele origin: germline. Affected: yes.
Comment: Not observed at significant frequency in large population cohorts (gnomAD); In silico analysis supports that this missense variant has a deleterious effect on protein structure/function; Has not been previously published as pathogenic or benign to our knowledge

NM_006922.4(SCN3A):c.5414C>T (p.Thr1805Ile)

Gene: SCN3A (sodium voltage-gated channel alpha subunit 3; minus strand). Cytogenetic location: 2q24.3.
Variant type: single nucleotide variant.
Coding change: c.5414C>T on transcript NM_006922.4 (MANE Select); coding-DNA position 5414, C replaced by T.
Protein change: p.Thr1805Ile; replaces threonine 1805 with isoleucine.
Molecular consequence: missense variant.
Genome position (GRCh38, 1-based): chr2:165,090,739, G>A on the plus strand (C>T on the coding strand, the complement: SCN3A is on the minus strand). VCF-style: chr2-165090739-G-A. GRCh37 (hg19) VCF-style: chr2-165947249-G-A.
Other names: c.5267C>T, p.Thr1756Ile (NM_001081676.2, NM_001081677.2); short protein forms T1756I, T1805I.
Identifiers: ClinVar variation 3361403 (VCV003361403.1).